The following is an entry in ClinVar:

NM_000235.4(LIPA):c.36G>A (p.Leu12=)

Gene: LIPA (lipase A, lysosomal acid type; minus strand). Cytogenetic location: 10q23.31.
Variant type: single nucleotide variant.
Coding change: c.36G>A on transcript NM_000235.4 (MANE Select); coding-DNA position 36, G replaced by A.
Protein change: p.Leu12=; no amino-acid change (leucine 12 retained).
Molecular consequence: synonymous variant. On other transcripts: intron variant (2).
Genome position (GRCh38, 1-based): chr10:89,247,613, C>T on the plus strand (G>A on the coding strand, the complement: LIPA is on the minus strand). VCF-style: chr10-89247613-C-T. GRCh37 (hg19) VCF-style: chr10-91007370-C-T.
Other names: c.36G>A, p.Leu12= (NM_001440823.1, NM_001440824.1, NM_001440825.1 and 17 more transcripts); c.168G>A, p.Leu56= (NM_001440836.1); c.51G>A, p.Leu17= (NM_001440838.1); c.62-19215G>A (NM_001440839.1); c.-120+4124G>A (NM_001288979.2).
Identifiers: ClinVar variation 4098209 (VCV004098209.2).
Genomic context (GRCh38, chr10:89,247,613, plus strand): 5'-TTCAGGATCCACAGCTGTCAGTTTCCCTCCAGACCCCTCAGAATGCAGGGTCCAGAGAAC[C>T]AAACAGACCACCAACCCCAAGAACCGCATTTTCATTCTGTATAATAAAACAGTCTATTAT-3'
Protein context (NP_000226.2, residues 2-22): KMRFLGLVVC[Leu12=]VLWTLHSEGS

ClinVar aggregate classification (germline): Likely benign. Review status: criteria provided, multiple submitters, no conflicts (2 of 4 stars). 2 submissions from 2 submitters: Likely benign (2). Last evaluated 2026-03-10.

Conditions:
Lysosomal acid lipase deficiency. Also called: Acid cholesteryl ester hydrolase deficiency, type 2. Identifiers: Orphanet 275761, MedGen C5574740, MONDO:0800449, MONDO:0010204.
Cardiovascular phenotype. Identifiers: MedGen CN230736.

Submissions (2):

GENinCode PLC
Classification: Likely benign for Lysosomal acid lipase deficiency. Last evaluated: 2026-03-10. Review status: criteria provided, single submitter. Criteria: ACMG Guidelines, 2015. Collection method: clinical testing. Allele origin: germline.
Comment: This is a synonymous (silent) variant that is not predicted to impact splicing and occurs at a nucleotide which is not highly conserved. This variant has been classified as Likely Benign (BP4, BP7).

Ambry Genetics
Classification: Likely benign for Cardiovascular phenotype. Last evaluated: 2025-08-28. Review status: criteria provided, single submitter. Criteria: Ambry Variant Classification Scheme 2023. Collection method: clinical testing. Allele origin: germline.